The following is an entry in ClinVar:

ClinVar aggregate classification (germline): Uncertain significance (1 of 4 stars; one submission).

Allele frequency attached by ClinVar (database versions not stated): gnomAD exomes below 0.00001 and 0.00001; TOPMed below 0.00001; gnomAD 0.00001.
gnomAD v4.1: 4 of 1,613,798 alleles (0.00025%); highest among the groups gnomAD compares: Admixed American, 0.0017%; no homozygotes.

Submission:

GeneDx
Classification: Uncertain significance. Last evaluated: 2020-02-12. Review status: criteria provided, single submitter. Criteria: GeneDx Variant Classification Process June 2021. Collection method: clinical testing. Allele origin: germline. Affected: yes.
Comment: Not observed at a significant frequency in large population cohorts (Lek et al., 2016); Missense variants in this gene are often considered pathogenic (Stenson et al., 2014); In silico analysis supports that this missense variant has a deleterious effect on protein structure/function; Has not been previously published as pathogenic or benign to our knowledge

NM_001040142.2(SCN2A):c.3443T>C (p.Ile1148Thr)

Gene: SCN2A (sodium voltage-gated channel alpha subunit 2; plus strand). Cytogenetic location: 2q24.3.
Variant type: single nucleotide variant.
Coding change: c.3443T>C on transcript NM_001040142.2 (MANE Select); coding-DNA position 3443, T replaced by C.
Protein change: p.Ile1148Thr; replaces isoleucine 1148 with threonine.
Molecular consequence: missense variant.
Genome position (GRCh38, 1-based): chr2:165,365,186, T>C. VCF-style: chr2-165365186-T-C. GRCh37 (hg19) VCF-style: chr2-166221696-T-C.
Other names: c.3443T>C, p.Ile1148Thr (NM_001040143.2, NM_001371246.1, NM_001371247.1 and 1 more transcripts); short protein forms I1148T.
Identifiers: ClinVar variation 1203662 (VCV001203662.3), dbSNP rs1276761608, ClinGen allele CA349024598.